The following is an entry in ClinVar:

ClinVar aggregate classification (germline): Uncertain significance (1 of 4 stars; one submission).

Conditions:
Severe combined immunodeficiency due to DNA-PKcs deficiency. Also called: IMMUNODEFICIENCY 26 WITH NEUROLOGIC ABNORMALITIES; Immunodeficiency 26 with or without neurologic abnormalities. Identifiers: Orphanet 317425, MedGen C4014833, MONDO:0014423, OMIM 615966.

Allele frequency attached by ClinVar (database versions not stated): gnomAD exomes 0.00002 and 0.00003; ExAC 0.00003; TOPMed 0.00005.
gnomAD v4.1: 35 of 1,613,074 alleles (0.0022%); highest among the groups gnomAD compares: Admixed American, 0.0084%; no homozygotes.

Submission:

Labcorp Genetics (formerly Invitae), Labcorp
Classification: Uncertain significance for Severe combined immunodeficiency due to DNA-PKcs deficiency. Last evaluated: 2022-06-13. Review status: criteria provided, single submitter. Criteria: Invitae Variant Classification Sherloc (09022015). Collection method: clinical testing. Allele origin: germline.
Comment: This sequence change replaces alanine, which is neutral and non-polar, with threonine, which is neutral and polar, at codon 1263 of the PRKDC protein (p.Ala1263Thr). This variant is present in population databases (rs773505432, gnomAD 0.006%). This variant has not been reported in the literature in individuals affected with PRKDC-related conditions. ClinVar contains an entry for this variant (Variation ID: 853297). In summary, the available evidence is currently insufficient to determine the role of this variant in disease. Therefore, it has been classified as a Variant of Uncertain Significance.

NM_006904.7(PRKDC):c.3787G>A (p.Ala1263Thr)

Gene: PRKDC (protein kinase, DNA-activated, catalytic subunit; minus strand). Cytogenetic location: 8q11.21.
Variant type: single nucleotide variant.
Coding change: c.3787G>A on transcript NM_006904.7 (MANE Select); coding-DNA position 3787, G replaced by A.
Protein change: p.Ala1263Thr; replaces alanine 1263 with threonine.
Molecular consequence: missense variant.
Genome position (GRCh38, 1-based): chr8:47,893,199, C>T on the plus strand (G>A on the coding strand, the complement: PRKDC is on the minus strand). VCF-style: chr8-47893199-C-T. GRCh37 (hg19) VCF-style: chr8-48805760-C-T.
Other names: c.3787G>A, p.Ala1263Thr (NM_001081640.2); short protein forms A1263T.
Identifiers: ClinVar variation 853297 (VCV000853297.7), dbSNP rs773505432, ClinGen allele CA4741091.